The following is an entry in ClinVar:

ClinVar aggregate classification (germline): Pathogenic (1 of 4 stars; one submission).

Submission:

GeneDx
Classification: Pathogenic. Last evaluated: 2023-12-07. Review status: criteria provided, single submitter. Criteria: GeneDx Variant Classification Process June 2021. Collection method: clinical testing. Allele origin: germline. Affected: yes.
Comment: Occurs in the triple helical domain and replaces a glycine in a canonical Gly-X-Y repeat; missense substitution of a canonical glycine residue is expected to disrupt normal protein folding and function, and this is an established mechanism of disease (PMID: 34007986); Not observed at significant frequency in large population cohorts (gnomAD); In silico analysis supports that this missense variant has a deleterious effect on protein structure/function; This variant is associated with the following publications: (PMID: 33470886, 34007986)

NM_000088.4(COL1A1):c.1040G>A (p.Gly347Asp)

Gene: COL1A1 (collagen type I alpha 1 chain; minus strand). Cytogenetic location: 17q21.33.
Variant type: single nucleotide variant.
Coding change: c.1040G>A on transcript NM_000088.4 (MANE Select); coding-DNA position 1040, G replaced by A.
Protein change: p.Gly347Asp; replaces glycine 347 with aspartic acid.
Molecular consequence: missense variant.
Genome position (GRCh38, 1-based): chr17:50,195,939, C>T on the plus strand (G>A on the coding strand, the complement: COL1A1 is on the minus strand). VCF-style: chr17-50195939-C-T. GRCh37 (hg19) VCF-style: chr17-48273300-C-T.
Other names: short protein forms G347D.
Identifiers: ClinVar variation 3253258 (VCV003253258.1), dbSNP rs2509231494.